The following is an entry in ClinVar:

ClinVar aggregate classification (germline): Uncertain significance. Review status: criteria provided, multiple submitters, no conflicts (2 of 4 stars). 2 submissions from 2 submitters: Uncertain significance (2). Last evaluated 2024-10-15.

Conditions:
Cardiovascular phenotype. Identifiers: MedGen CN230736.
Hypertrophic cardiomyopathy. Also called: HYPERTROPHIC MYOCARDIOPATHY. Identifiers: Orphanet 217569, MedGen C0007194, MeSH D002312, MONDO:0005045, HP:0001639.

Allele frequency attached by ClinVar (database versions not stated): gnomAD exomes below 0.00001.
gnomAD v4.1: 1 of 1,611,396 alleles (0.000062%); highest among the groups gnomAD compares: Admixed American, 0.0017%; no homozygotes.

Submissions (2):

Labcorp Genetics (formerly Invitae), Labcorp
Classification: Uncertain significance for Hypertrophic cardiomyopathy. Last evaluated: 2024-10-15. Review status: criteria provided, single submitter. Criteria: Invitae Variant Classification Sherloc (09022015). Collection method: clinical testing. Allele origin: germline.
Comment: This sequence change replaces lysine, which is basic and polar, with arginine, which is basic and polar, at codon 202 of the MYBPC3 protein (p.Lys202Arg). This variant is present in population databases (no rsID available, gnomAD 0.003%). This variant has not been reported in the literature in individuals affected with MYBPC3-related conditions. ClinVar contains an entry for this variant (Variation ID: 1751307). An algorithm developed to predict the effect of missense changes on protein structure and function (PolyPhen-2) suggests that this variant is likely to be disruptive. In summary, the available evidence is currently insufficient to determine the role of this variant in disease. Therefore, it has been classified as a Variant of Uncertain Significance.

Ambry Genetics
Classification: Uncertain significance for Cardiovascular phenotype. Last evaluated: 2019-05-31. Review status: criteria provided, single submitter. Criteria: Ambry Variant Classification Scheme 2023. Collection method: clinical testing. Allele origin: germline.
Comment: The p.K202R variant (also known as c.605A>G), located in coding exon 5 of the MYBPC3 gene, results from an A to G substitution at nucleotide position 605. The lysine at codon 202 is replaced by arginine, an amino acid with highly similar properties. An alternate amino acid substitution at this codon, p.K202Q, has been reported in a dilated cardiomyopathy (DCM) cohort (Hershberger RE et al. Circ Cardiovasc Genet. 2010;3:155-61), but it has also been identified in two individuals without a known diagnosis of DCM (Bick AG et al. Am. J. Hum. Genet. 2012;91:513-9). This amino acid position is highly conserved in available vertebrate species. In addition, the in silico prediction for this alteration is inconclusive. Since supporting evidence is limited at this time, the clinical significance of this alteration remains unclear.

NM_000256.3(MYBPC3):c.605A>G (p.Lys202Arg)

Gene: MYBPC3 (myosin binding protein C3; minus strand). Cytogenetic location: 11p11.2.
Variant type: single nucleotide variant.
Coding change: c.605A>G on transcript NM_000256.3 (MANE Select); coding-DNA position 605, A replaced by G.
Protein change: p.Lys202Arg; replaces lysine 202 with arginine.
Molecular consequence: missense variant.
Genome position (GRCh38, 1-based): chr11:47,349,823, T>C on the plus strand (A>G on the coding strand, the complement: MYBPC3 is on the minus strand). VCF-style: chr11-47349823-T-C. GRCh37 (hg19) VCF-style: chr11-47371374-T-C.
Other names: short protein forms K202R.
Identifiers: ClinVar variation 1751307 (VCV001751307.4), dbSNP rs1424994639, ClinGen allele CA380337546.